The following is an entry in ClinVar:

ClinVar aggregate classification (germline): Uncertain significance (1 of 4 stars; one submission).

Submission:

Labcorp Genetics (formerly Invitae), Labcorp
Classification: Uncertain significance. Last evaluated: 2021-07-12. Review status: criteria provided, single submitter. Criteria: Invitae Variant Classification Sherloc (09022015). Collection method: clinical testing. Allele origin: germline.
Comment: This variant has not been reported in the literature in individuals affected with DGKZ-related conditions. Algorithms developed to predict the effect of missense changes on protein structure and function (SIFT, PolyPhen-2, Align-GVGD) all suggest that this variant is likely to be disruptive. In summary, the available evidence is currently insufficient to determine the role of this variant in disease. Therefore, it has been classified as a Variant of Uncertain Significance. This sequence change replaces proline with alanine at codon 478 of the DGKZ protein (p.Pro478Ala). The proline residue is highly conserved and there is a small physicochemical difference between proline and alanine. This variant is not present in population databases (ExAC no frequency).

NM_001199267.2(DGKZ):c.865C>G (p.Pro289Ala)

Gene: DGKZ (diacylglycerol kinase zeta; plus strand). Cytogenetic location: 11p11.2.
Variant type: single nucleotide variant.
Coding change: c.865C>G on transcript NM_001199267.2 (MANE Select); coding-DNA position 865, C replaced by G.
Protein change: p.Pro289Ala; replaces proline 289 with alanine.
Molecular consequence: missense variant.
Genome position (GRCh38, 1-based): chr11:46,372,111, C>G. VCF-style: chr11-46372111-C-G. GRCh37 (hg19) VCF-style: chr11-46393661-C-G.
Other names: c.1432C>G, p.Pro478Ala (NM_001105540.2); c.868C>G, p.Pro290Ala (NM_001199266.2, NM_003646.4); c.799C>G, p.Pro267Ala (NM_001199268.2); c.916C>G, p.Pro306Ala (NM_201532.3); c.880C>G, p.Pro294Ala (NM_201533.3); short protein forms P289A, P290A, P478A, P306A, P267A, P294A.
Identifiers: ClinVar variation 1460661 (VCV001460661.8), dbSNP rs2136484428, ClinGen allele CA380218905.
Genomic context (GRCh38, chr11:46,372,111, plus strand): 5'-ACAGCCTCTCACCTTGTCTCCCAGGAGGGCCGCTGGAGACCCTTCATCATCAGGCCCACC[C>G]CCTCCCCGCTCATGAAGCCCCTGCTGGTGTTTGTGAACCCCAAGAGTGGGGGCAACCAGG-3'
Protein context (NP_001186196.1, residues 279-299): RWRPFIIRPT[Pro289Ala]SPLMKPLLVF